The following is an entry in ClinVar:

NM_031407.7(HUWE1):c.2029G>A (p.Ala677Thr)

Gene: HUWE1 (HECT, UBA and WWE domain containing E3 ubiquitin protein ligase 1; minus strand). Cytogenetic location: Xp11.22.
Variant type: single nucleotide variant.
Coding change: c.2029G>A on transcript NM_031407.7 (MANE Select); coding-DNA position 2029, G replaced by A.
Protein change: p.Ala677Thr; replaces alanine 677 with threonine.
Molecular consequence: missense variant.
Genome position (GRCh38, 1-based): chrX:53,615,764, C>T on the plus strand (G>A on the coding strand, the complement: HUWE1 is on the minus strand). VCF-style: chrX-53615764-C-T. GRCh37 (hg19) VCF-style: chrX-53642725-C-T.
Other names: short protein forms A677T.
Identifiers: ClinVar variation 1784710 (VCV001784710.2), dbSNP rs2527423639, ClinGen allele CA413147126.
Genomic context (GRCh38, chrX:53,615,764, plus strand): 5'-GCTCTCTCATGCTCATGGTCACATCCTTATCACTTTCTACCTTGATGATGGCAGTCGTTG[C>T]ATCTGTTTTAAGGGTGGGCTGATGTCTCATGAGCTCATCGACAGCACTCCCCAGGTTGGA-3'
Protein context (NP_113584.3, residues 667-687): MRHQPTLKTD[Ala677Thr]TTAIIKLLEE

ClinVar aggregate classification (germline): Uncertain significance (1 of 4 stars; one submission).

Conditions:
Inborn genetic diseases. Identifiers: MedGen C0950123, MeSH D030342.

Submission:

Ambry Genetics
Classification: Uncertain significance for Inborn genetic diseases. Last evaluated: 2017-12-07. Review status: criteria provided, single submitter. Criteria: Ambry Variant Classification Scheme 2023. Collection method: clinical testing. Allele origin: germline.
Comment: The p.A677T variant (also known as c.2029G>A), located in coding exon 19 of the HUWE1 gene, results from a G to A substitution at nucleotide position 2029. The alanine at codon 677 is replaced by threonine, an amino acid with similar properties. This amino acid position is highly conserved in available vertebrate species. In addition, the in silico prediction for this alteration is inconclusive. Since supporting evidence is limited at this time, the clinical significance of this alteration remains unclear.